The following is an entry in ClinVar:

ClinVar aggregate classification (germline): Likely pathogenic (1 of 4 stars; one submission).

Submission:

Labcorp Genetics (formerly Invitae), Labcorp
Classification: Likely pathogenic. Last evaluated: 2023-07-08. Review status: criteria provided, single submitter. Criteria: Invitae Variant Classification Sherloc (09022015). Collection method: clinical testing. Allele origin: germline.
Comment: In summary, the currently available evidence indicates that the variant is pathogenic, but additional data are needed to prove that conclusively. Therefore, this variant has been classified as Likely Pathogenic. Algorithms developed to predict the effect of sequence changes on RNA splicing suggest that this variant may disrupt the consensus splice site. This variant has not been reported in the literature in individuals affected with FAM161A-related conditions. This variant is not present in population databases (gnomAD no frequency). This sequence change affects an acceptor splice site in intron 4 of the FAM161A gene. It is expected to disrupt RNA splicing. Variants that disrupt the donor or acceptor splice site typically lead to a loss of protein function (PMID: 16199547), and loss-of-function variants in FAM161A are known to be pathogenic (PMID: 20705278, 20705279, 24651477).

Literature cited by the submitters: PubMed 16199547; PubMed 20705278; PubMed 20705279; PubMed 24651477.

NM_001201543.2(FAM161A):c.1752-1G>T

Gene: FAM161A (FAM161 centrosomal protein A; minus strand). Cytogenetic location: 2p15.
Variant type: single nucleotide variant.
Coding change: c.1752-1G>T on transcript NM_001201543.2 (MANE Select); the canonical splice acceptor site of the intron before coding-DNA position 1752, G replaced by T.
Molecular consequence: splice acceptor variant.
Genome position (GRCh38, 1-based): chr2:61,836,110, C>A on the plus strand (G>T on the coding strand, the complement: FAM161A is on the minus strand). VCF-style: chr2-61836110-C-A. GRCh37 (hg19) VCF-style: chr2-62063245-C-A.
Other names: c.1584-1G>T (NM_032180.3).
Identifiers: ClinVar variation 2738423 (VCV002738423.3), dbSNP rs756891880, ClinGen allele CA346985829.